The following is an entry in ClinVar:

NM_005765.3(ATP6AP2):c.765T>C (p.Tyr255=)

Gene: ATP6AP2 (ATPase H+ transporting accessory protein 2; plus strand). Cytogenetic location: Xp11.4.
Variant type: single nucleotide variant.
Coding change: c.765T>C on transcript NM_005765.3 (MANE Select); coding-DNA position 765, T replaced by C.
Protein change: p.Tyr255=; no amino-acid change (tyrosine 255 retained).
Molecular consequence: synonymous variant.
Genome position (GRCh38, 1-based): chrX:40,600,788, T>C. VCF-style: chrX-40600788-T-C. GRCh37 (hg19) VCF-style: chrX-40460040-T-C.
Other names: p.Tyr255=.
Identifiers: ClinVar variation 95312 (VCV000095312.24), dbSNP rs7691, ClinGen allele CA148419.

ClinVar aggregate classification (germline): Benign. Review status: criteria provided, multiple submitters, no conflicts (2 of 4 stars). 7 submissions from 7 submitters: Benign (6). 1 of the submissions does not count toward it. Last evaluated 2026-02-03.

Conditions:
Intellectual developmental disorder, X-linked, syndromic, Hedera type. Also called: Syndromic X-linked intellectual disability Hedera type. Identifiers: Orphanet 93952, MedGen C1845543, MONDO:0010319, OMIM 300423.
Inborn genetic diseases. Identifiers: MedGen C0950123, MeSH D030342.

Allele frequency attached by ClinVar (database versions not stated): gnomAD exomes 0.02703 and 0.08111; ExAC 0.07845; gnomAD 0.11132 and 0.11555; ESP Exome Variant Server 0.11275; TOPMed 0.14007; 1000 Genomes Project 0.15444; 1000 Genomes Project 30x 0.16108.
gnomAD v4.1: 42,731 of 1,205,544 alleles (3.5%); highest among the groups gnomAD compares: African/African-American, 31%; 3,690 homozygotes.

Submissions (7):

Labcorp Genetics (formerly Invitae), Labcorp
Classification: Benign for Intellectual developmental disorder, X-linked, syndromic, Hedera type. Last evaluated: 2026-02-03. Review status: criteria provided, single submitter. Criteria: Invitae Variant Classification Sherloc (09022015). Collection method: clinical testing. Allele origin: germline.

Mayo Clinic Laboratories, Mayo Clinic
Classification: Benign. Last evaluated: 2022-03-24. Review status: criteria provided, single submitter. Criteria: ACMG Guidelines, 2015. Collection method: clinical testing. Allele origin: germline. Observed: 70 variant alleles.

GeneDx
Classification: Benign. Last evaluated: 2015-03-03. Review status: criteria provided, single submitter. Criteria: GeneDx Variant Classification Process June 2021. Collection method: clinical testing. Allele origin: germline. Affected: yes.

Ambry Genetics
Classification: Benign for Inborn genetic diseases. Last evaluated: 2014-11-24. Review status: criteria provided, single submitter. Criteria: Ambry Variant Classification Scheme 2023. Collection method: clinical testing. Allele origin: germline.

Eurofins Ntd Llc (ga)
Classification: Benign. Last evaluated: 2012-08-30. Review status: criteria provided, single submitter. Criteria: EGL Classification Definitions 2015. Collection method: clinical testing. Allele origin: germline. Observed: 1 variant allele, 1 hemizygote.

Breakthrough Genomics
Classification: Benign. Review status: criteria provided, single submitter. Criteria: ACMG Guidelines, 2015. Collection method: not provided. Allele origin: germline. Inheritance: X-linked inheritance. Affected: yes.

Genetic Services Laboratory, University of Chicago
Classification: Likely benign for AllHighlyPenetrant. Review status: no assertion criteria provided. Collection method: clinical testing. Allele origin: germline. Inheritance: X-linked inheritance. Not counted in ClinVar's aggregate classification.
Comment: Likely benign based on allele frequency in 1000 Genomes Project or ESP global frequency and its presence in a patient with a rare or unrelated disease phenotype. NOT Sanger confirmed.